The following is an entry in ClinVar:

ClinVar aggregate classification (germline): Benign/Likely benign. Review status: criteria provided, multiple submitters, no conflicts (2 of 4 stars). 5 submissions from 5 submitters: Benign (1); Likely benign (3). 1 of the submissions does not count toward it. Last evaluated 2026-01-06.

Conditions:
CIT-related disorder. Also called: CIT-related condition.

Allele frequency attached by ClinVar (database versions not stated): gnomAD exomes 0.00019 and 0.00048; ExAC 0.00049; ESP Exome Variant Server 0.00169; gnomAD 0.00173 and 0.00183; TOPMed 0.00181; 1000 Genomes Project 0.00200; 1000 Genomes Project 30x 0.00203.
gnomAD v4.1: 546 of 1,613,980 alleles (0.034%); highest among the groups gnomAD compares: African/African-American, 0.59%; 3 homozygotes.

Submissions (5):

Labcorp Genetics (formerly Invitae), Labcorp
Classification: Benign. Last evaluated: 2026-01-06. Review status: criteria provided, single submitter. Criteria: Invitae Variant Classification Sherloc (09022015). Collection method: clinical testing. Allele origin: germline.

Blueprint Genetics
Classification: Likely benign. Last evaluated: 2024-09-05. Review status: criteria provided, single submitter. Criteria: ACMG Guidelines, 2015. Collection method: clinical testing. Allele origin: germline.

GeneDx
Classification: Likely benign. Last evaluated: 2020-12-16. Review status: criteria provided, single submitter. Criteria: GeneDx Variant Classification Process June 2021. Collection method: clinical testing. Allele origin: germline. Affected: yes.

Breakthrough Genomics
Classification: Likely benign. Review status: criteria provided, single submitter. Criteria: ACMG Guidelines, 2015. Collection method: not provided. Allele origin: germline. Inheritance: Autosomal recessive inheritance. Affected: yes.

PreventionGenetics, part of Exact Sciences
Classification: Likely benign for CIT-related condition. Last evaluated: 2019-04-10. Review status: no assertion criteria provided. Collection method: clinical testing. Allele origin: germline. Not counted in ClinVar's aggregate classification.
Comment: This variant is classified as likely benign based on ACMG/AMP sequence variant interpretation guidelines (Richards et al. 2015 PMID: 25741868, with internal and published modifications).

NM_001206999.2(CIT):c.4053C>T (p.Thr1351=)

Gene: CIT (citron rho-interacting serine/threonine kinase; minus strand). Cytogenetic location: 12q24.23.
Variant type: single nucleotide variant.
Coding change: c.4053C>T on transcript NM_001206999.2 (MANE Select); coding-DNA position 4053, C replaced by T.
Protein change: p.Thr1351=; no amino-acid change (threonine 1351 retained).
Molecular consequence: synonymous variant.
Genome position (GRCh38, 1-based): chr12:119,718,360, G>A on the plus strand (C>T on the coding strand, the complement: CIT is on the minus strand). VCF-style: chr12-119718360-G-A. GRCh37 (hg19) VCF-style: chr12-120156165-G-A.
Other names: c.3927C>T, p.Thr1309= (NM_007174.3).
Identifiers: ClinVar variation 709470 (VCV000709470.12), dbSNP rs61735286, ClinGen allele CA6821357.